The following is an entry in ClinVar:

ClinVar aggregate classification (germline): Uncertain significance (1 of 4 stars; one submission).

Conditions:
Chédiak-Higashi syndrome (CHS). Also called: Chediak-Higashi Syndrome. Identifiers: Orphanet 167, MedGen C0007965, MONDO:0008963, OMIM 214500.

Allele frequency attached by ClinVar (database versions not stated): gnomAD exomes below 0.00001.
gnomAD v4.1: 2 of 1,600,734 alleles (0.00012%); highest among the groups gnomAD compares: African/African-American, 0.0013%; no homozygotes.

Submission:

Labcorp Genetics (formerly Invitae), Labcorp
Classification: Uncertain significance for Chédiak-Higashi syndrome. Last evaluated: 2022-09-22. Review status: criteria provided, single submitter. Criteria: Invitae Variant Classification Sherloc (09022015). Collection method: clinical testing. Allele origin: germline.
Comment: This variant has not been reported in the literature in individuals affected with LYST-related conditions. This variant is not present in population databases (gnomAD no frequency). This sequence change replaces asparagine, which is neutral and polar, with aspartic acid, which is acidic and polar, at codon 2672 of the LYST protein (p.Asn2672Asp). ClinVar contains an entry for this variant (Variation ID: 1522647). In summary, the available evidence is currently insufficient to determine the role of this variant in disease. Therefore, it has been classified as a Variant of Uncertain Significance. Advanced modeling of protein sequence and biophysical properties (such as structural, functional, and spatial information, amino acid conservation, physicochemical variation, residue mobility, and thermodynamic stability) performed at Invitae indicates that this missense variant is not expected to disrupt LYST protein function.

NM_000081.4(LYST):c.8014A>G (p.Asn2672Asp)

Gene: LYST (lysosomal trafficking regulator; minus strand). Cytogenetic location: 1q42.3.
Variant type: single nucleotide variant.
Coding change: c.8014A>G on transcript NM_000081.4 (MANE Select); coding-DNA position 8014, A replaced by G.
Protein change: p.Asn2672Asp; replaces asparagine 2672 with aspartic acid.
Molecular consequence: missense variant.
Genome position (GRCh38, 1-based): chr1:235,744,116, T>C on the plus strand (A>G on the coding strand, the complement: LYST is on the minus strand). VCF-style: chr1-235744116-T-C. GRCh37 (hg19) VCF-style: chr1-235907416-T-C.
Other names: c.8014A>G, p.Asn2672Asp (NM_001301365.1); short protein forms N2672D.
Identifiers: ClinVar variation 1522647 (VCV001522647.5), dbSNP rs552741276, ClinGen allele CA39606187.